The following is an entry in ClinVar:

NM_001046.3(SLC12A2):c.268G>C (p.Ala90Pro)

Genes: SLC12A2 (solute carrier family 12 member 2; plus strand), LOC129994526 (ATAC-STARR-seq lymphoblastoid silent region 16295; plus strand). Cytogenetic location: 5q23.3.
Variant type: single nucleotide variant.
Coding change: c.268G>C on transcript NM_001046.3 (MANE Select); coding-DNA position 268, G replaced by C.
Protein change: p.Ala90Pro; replaces alanine 90 with proline.
Molecular consequence: missense variant. On other transcripts: non-coding transcript variant (1).
Genome position (GRCh38, 1-based): chr5:128,084,222, G>C. VCF-style: chr5-128084222-G-C. GRCh37 (hg19) VCF-style: chr5-127419914-G-C.
Other names: c.268G>C, p.Ala90Pro (NM_001256461.2); short protein forms A90P.
Identifiers: ClinVar variation 2505209 (VCV002505209.1), dbSNP rs1759952931, ClinGen allele CA360736153.

ClinVar aggregate classification (germline): Uncertain significance (1 of 4 stars; one submission).

gnomAD v4.1: 3 of 1,275,586 alleles (0.00024%); highest among the groups gnomAD compares: Non-Finnish European, 0.0002%; no homozygotes.

Submission:

Greenwood Genetic Center Diagnostic Laboratories, Greenwood Genetic Center
Classification: Uncertain significance. Last evaluated: 2023-03-20. Review status: criteria provided, single submitter. Criteria: ACMG Guidelines, 2015. Collection method: clinical testing. Allele origin: germline. Affected: yes.
Comment: PM2